The following is an entry in ClinVar:

NM_005228.5(EGFR):c.460C>G (p.Pro154Ala)

Gene: EGFR (epidermal growth factor receptor; plus strand). Cytogenetic location: 7p11.2.
Variant type: single nucleotide variant.
Coding change: c.460C>G on transcript NM_005228.5 (MANE Select); coding-DNA position 460, C replaced by G.
Protein change: p.Pro154Ala; replaces proline 154 with alanine.
Molecular consequence: missense variant. On other transcripts: intron variant (3).
Genome position (GRCh38, 1-based): chr7:55,146,641, C>G. VCF-style: chr7-55146641-C-G. GRCh37 (hg19) VCF-style: chr7-55214334-C-G.
Other names: c.460C>G, p.Pro154Ala (NM_001346898.2, NM_201282.2, NM_201283.2 and 1 more transcripts); c.301C>G, p.Pro101Ala (NM_001346900.2); c.424+3153C>G (NM_001346899.2, NM_001346897.2); c.89-9189C>G (NM_001346941.2); short protein forms P154A, P101A.
Identifiers: ClinVar variation 2006896 (VCV002006896.4), dbSNP rs2128929465, ClinGen allele CA367576535.

ClinVar aggregate classification (germline): Uncertain significance (1 of 4 stars; one submission).

Conditions:
EGFR-related lung cancer (EGFR). Identifiers: MedGen CN130014.

Submission:

Labcorp Genetics (formerly Invitae), Labcorp
Classification: Uncertain significance for EGFR-related lung cancer. Last evaluated: 2022-06-15. Review status: criteria provided, single submitter. Criteria: Invitae Variant Classification Sherloc (09022015). Collection method: clinical testing. Allele origin: germline.
Comment: In summary, the available evidence is currently insufficient to determine the role of this variant in disease. Therefore, it has been classified as a Variant of Uncertain Significance. Algorithms developed to predict the effect of missense changes on protein structure and function are either unavailable or do not agree on the potential impact of this missense change (SIFT: "Tolerated"; PolyPhen-2: "Probably Damaging"; Align-GVGD: "Class C0"). This variant has not been reported in the literature in individuals affected with EGFR-related conditions. This variant is not present in population databases (gnomAD no frequency). This sequence change replaces proline, which is neutral and non-polar, with alanine, which is neutral and non-polar, at codon 154 of the EGFR protein (p.Pro154Ala).